The following is an entry in ClinVar:

NM_003128.3(SPTBN1):c.2117C>T (p.Ala706Val)

Gene: SPTBN1 (spectrin beta, non-erythrocytic 1; plus strand). Cytogenetic location: 2p16.2.
Variant type: single nucleotide variant.
Coding change: c.2117C>T on transcript NM_003128.3 (MANE Select); coding-DNA position 2117, C replaced by T.
Protein change: p.Ala706Val; replaces alanine 706 with valine.
Molecular consequence: missense variant.
Genome position (GRCh38, 1-based): chr2:54,629,251, C>T. VCF-style: chr2-54629251-C-T. GRCh37 (hg19) VCF-style: chr2-54856388-C-T.
Other names: c.2078C>T, p.Ala693Val (NM_178313.3); short protein forms A693V, A706V.
Identifiers: ClinVar variation 3771669 (VCV003771669.13).
Genomic context (GRCh38, chr2:54,629,251, plus strand): 5'-AGATGAGCGGCCGCAGTGGCCACTTTGAGCAGGCCATCAAGGAAGGCGAAGACATGATCG[C>T]GGAGGAGCACTTCGGGTCGGAGAAGATCCGTGAGAGGATCATTTACATCCGGGAGCAGTG-3'
Protein context (NP_003119.2, residues 696-716): QAIKEGEDMI[Ala706Val]EEHFGSEKIR

ClinVar aggregate classification (germline): Likely benign (1 of 4 stars; one submission).

gnomAD v4.1: 68 of 1,613,858 alleles (0.0042%); highest among the groups gnomAD compares: South Asian, 0.0055%; no homozygotes.

Submission:

CeGaT Center for Human Genetics Tuebingen
Classification: Likely benign. Last evaluated: 2024-12-01. Review status: criteria provided, single submitter. Criteria: CeGaT Center For Human Genetics Tuebingen Variant Classification Criteria Version 2. Collection method: clinical testing. Allele origin: germline. Affected: yes. Observed: 1 variant allele.
Comment: SPTBN1: BP4, BS2